The following is an entry in ClinVar:

ClinVar aggregate classification (germline): Conflicting classifications of pathogenicity. Review status: criteria provided, conflicting classifications (1 of 4 stars). 2 submissions from 2 submitters: Uncertain significance (1); Likely benign (1). Last evaluated 2026-07-29.

Conditions:
Hereditary cancer-predisposing syndrome. Also called: Neoplastic Syndromes, Hereditary; Hereditary Cancer Syndrome; Tumor predisposition; Hereditary neoplastic syndrome. Identifiers: Orphanet 140162, MedGen C0027672, MeSH D009386, MONDO:0015356.
Hereditary diffuse gastric adenocarcinoma (HDGC). Also called: DIFFUSE GASTRIC AND LOBULAR BREAST CANCER SYNDROME. Identifiers: Orphanet 26106, MedGen C1708349, MONDO:0007648, OMIM 137215.

Allele frequency attached by ClinVar (database versions not stated): ExAC 0.00002.
gnomAD v4.1: 3 of 1,614,200 alleles (0.00019%); highest among the groups gnomAD compares: Non-Finnish European, 0.00017%; no homozygotes.

Submissions (2):

Ambry Genetics
Classification: Likely benign for Hereditary cancer-predisposing syndrome. Last evaluated: 2026-07-29. Review status: criteria provided, single submitter. Criteria: Ambry Variant Classification Scheme 2023. Collection method: clinical testing. Allele origin: germline.

Labcorp Genetics (formerly Invitae), Labcorp
Classification: Uncertain significance for Hereditary diffuse gastric adenocarcinoma. Last evaluated: 2025-03-16. Review status: criteria provided, single submitter. Criteria: Invitae Variant Classification Sherloc (09022015). Collection method: clinical testing. Allele origin: germline.
Comment: This sequence change replaces glutamic acid, which is acidic and polar, with aspartic acid, which is acidic and polar, at codon 852 of the CDH1 protein (p.Glu852Asp). This variant is present in population databases (rs760315494, gnomAD 0.002%). This variant has not been reported in the literature in individuals affected with CDH1-related conditions. ClinVar contains an entry for this variant (Variation ID: 951646). An algorithm developed to predict the effect of missense changes on protein structure and function (PolyPhen-2) suggests that this variant is likely to be tolerated. In summary, the available evidence is currently insufficient to determine the role of this variant in disease. Therefore, it has been classified as a Variant of Uncertain Significance.

NM_004360.5(CDH1):c.2556G>T (p.Glu852Asp)

Gene: CDH1 (cadherin 1; plus strand). Cytogenetic location: 16q22.1.
Variant type: single nucleotide variant.
Coding change: c.2556G>T on transcript NM_004360.5 (MANE Select); coding-DNA position 2556, G replaced by T.
Protein change: p.Glu852Asp; replaces glutamic acid 852 with aspartic acid.
Molecular consequence: missense variant.
Genome position (GRCh38, 1-based): chr16:68,833,406, G>T. VCF-style: chr16-68833406-G-T. GRCh37 (hg19) VCF-style: chr16-68867309-G-T.
Other names: c.2373G>T, p.Glu791Asp (NM_001317184.2); c.1008G>T, p.Glu336Asp (NM_001317185.2); c.591G>T, p.Glu197Asp (NM_001317186.2); short protein forms E852D, E336D, E791D, E197D.
Identifiers: ClinVar variation 951646 (VCV000951646.11), dbSNP rs760315494, ClinGen allele CA8130309.